The following is an entry in ClinVar:

NM_022051.3(EGLN1):c.365C>G (p.Ala122Gly)

Gene: EGLN1 (egl-9 family hypoxia inducible factor 1; minus strand). Cytogenetic location: 1q42.2.
Variant type: single nucleotide variant.
Coding change: c.365C>G on transcript NM_022051.3 (MANE Select); coding-DNA position 365, C replaced by G.
Protein change: p.Ala122Gly; replaces alanine 122 with glycine.
Molecular consequence: missense variant.
Genome position (GRCh38, 1-based): chr1:231,421,524, G>C on the plus strand (C>G on the coding strand, the complement: EGLN1 is on the minus strand). VCF-style: chr1-231421524-G-C. GRCh37 (hg19) VCF-style: chr1-231557270-G-C.
Other names: c.365C>G, p.Ala122Gly (NM_001377260.1, NM_001377261.1); short protein forms A122G.
Identifiers: ClinVar variation 2560762 (VCV002560762.4), dbSNP rs1271774308, ClinGen allele CA345237449.

ClinVar aggregate classification (germline): Uncertain significance. Review status: criteria provided, multiple submitters, no conflicts (2 of 4 stars). 2 submissions from 2 submitters: Uncertain significance (2). Last evaluated 2024-07-15.

Conditions:
Erythrocytosis, familial, 3 (ECYT3). Identifiers: Orphanet 247511, MedGen C1853286, MONDO:0012353, OMIM 609820.

gnomAD v4.1: 3 of 1,295,098 alleles (0.00023%); highest among the groups gnomAD compares: Non-Finnish European, 0.00029%; no homozygotes.

Submissions (2):

Labcorp Genetics (formerly Invitae), Labcorp
Classification: Uncertain significance for Erythrocytosis, familial, 3. Last evaluated: 2024-07-15. Review status: criteria provided, single submitter. Criteria: Invitae Variant Classification Sherloc (09022015). Collection method: clinical testing. Allele origin: germline.
Comment: This sequence change replaces alanine, which is neutral and non-polar, with glycine, which is neutral and non-polar, at codon 122 of the EGLN1 protein (p.Ala122Gly). This variant is not present in population databases (gnomAD no frequency). This variant has not been reported in the literature in individuals affected with EGLN1-related conditions. ClinVar contains an entry for this variant (Variation ID: 2560762). An algorithm developed to predict the effect of missense changes on protein structure and function (PolyPhen-2) suggests that this variant is likely to be disruptive. In summary, the available evidence is currently insufficient to determine the role of this variant in disease. Therefore, it has been classified as a Variant of Uncertain Significance.

Ambry Genetics
Classification: Uncertain significance. Last evaluated: 2023-05-18. Review status: criteria provided, single submitter. Criteria: Ambry Variant Classification Scheme 2023. Collection method: clinical testing. Allele origin: germline.
Comment: The p.A122G variant (also known as c.365C>G), located in coding exon 1 of the EGLN1 gene, results from a C to G substitution at nucleotide position 365. The alanine at codon 122 is replaced by glycine, an amino acid with similar properties. This amino acid position is conserved. In addition, this alteration is predicted to be tolerated by in silico analysis. Since supporting evidence is limited at this time, the clinical significance of this alteration remains unclear.